The following is an entry in ClinVar:

ClinVar aggregate classification (germline): Uncertain significance (1 of 4 stars; one submission).

Submission:

GeneDx
Classification: Uncertain significance. Last evaluated: 2024-12-09. Review status: criteria provided, single submitter. Criteria: GeneDx Variant Classification Process June 2021. Collection method: clinical testing. Allele origin: germline. Affected: yes.
Comment: Not observed at significant frequency in large population cohorts (gnomAD); In silico analysis indicates that this missense variant does not alter protein structure/function; Has not been previously published as pathogenic or benign to our knowledge

NM_006445.4(PRPF8):c.4073G>C (p.Ser1358Thr)

Gene: PRPF8 (pre-mRNA processing factor 8; minus strand). Cytogenetic location: 17p13.3.
Variant type: single nucleotide variant.
Coding change: c.4073G>C on transcript NM_006445.4 (MANE Select); coding-DNA position 4073, G replaced by C.
Protein change: p.Ser1358Thr; replaces serine 1358 with threonine.
Molecular consequence: missense variant.
Genome position (GRCh38, 1-based): chr17:1,661,740, C>G on the plus strand (G>C on the coding strand, the complement: PRPF8 is on the minus strand). VCF-style: chr17-1661740-C-G. GRCh37 (hg19) VCF-style: chr17-1565034-C-G.
Other names: short protein forms S1358T.
Identifiers: ClinVar variation 3901454 (VCV003901454.1).